The following is an entry in ClinVar:

ClinVar aggregate classification (germline): Uncertain significance. Review status: criteria provided, multiple submitters, no conflicts (2 of 4 stars). 3 submissions from 3 submitters: Uncertain significance (2). 1 of the submissions does not count toward it. Last evaluated 2025-10-06.

Conditions:
Granulomatous disease, chronic, autosomal recessive, cytochrome b-negative. Also called: CGD DUE TO DEFICIENCY OF THE ALPHA SUBUNIT OF CYTOCHROME b; CGD, AUTOSOMAL RECESSIVE CYTOCHROME b-NEGATIVE; CYBA DEFICIENCY; GRANULOMATOUS DISEASE, CHRONIC, AUTOSOMAL RECESSIVE, 4; Chronic granulomatous disease, autosomal, due to deficiency of CYBA. Identifiers: Orphanet 379, MedGen C1856255, MONDO:0009308, OMIM 233690.
Chronic granulomatous disease. Identifiers: Orphanet 379, MedGen C0018203, MONDO:0018305.

Allele frequency attached by ClinVar (database versions not stated): gnomAD exomes 0.00002 and 0.00014; gnomAD 0.00004; ExAC 0.00009; TOPMed 0.00017.

Submissions (3):

Labcorp Genetics (formerly Invitae), Labcorp
Classification: Uncertain significance for Granulomatous disease, chronic, autosomal recessive, cytochrome b-negative. Last evaluated: 2025-10-06. Review status: criteria provided, single submitter. Criteria: Invitae Variant Classification Sherloc (09022015). Collection method: clinical testing. Allele origin: germline.
Comment: This sequence change replaces glutamic acid, which is acidic and polar, with lysine, which is basic and polar, at codon 140 of the CYBA protein (p.Glu140Lys). This variant is present in population databases (rs759771041, gnomAD 0.1%). This missense change has been observed in individual(s) with chronic granulomatous disease (PMID: 35140711). ClinVar contains an entry for this variant (Variation ID: 966844). An algorithm developed to predict the effect of missense changes on protein structure and function (PolyPhen-2) suggests that this variant is likely to be disruptive. In summary, the available evidence is currently insufficient to determine the role of this variant in disease. Therefore, it has been classified as a Variant of Uncertain Significance.

Blueprint Genetics
Classification: Uncertain significance. Last evaluated: 2024-05-23. Review status: criteria provided, single submitter. Criteria: ACMG Guidelines, 2015. Collection method: clinical testing. Allele origin: germline.

Natera, Inc.
Classification: Uncertain significance for Chronic granulomatous disease. Last evaluated: 2019-11-11. Review status: no assertion criteria provided. Collection method: clinical testing. Allele origin: germline. Not counted in ClinVar's aggregate classification.

Literature cited by the submitters: PubMed 35140711 (cited by Labcorp Genetics (formerly Invitae), Labcorp).

NM_000101.4(CYBA):c.418G>A (p.Glu140Lys)

Gene: CYBA (cytochrome b-245 alpha chain; minus strand). Cytogenetic location: 16q24.2.
Variant type: single nucleotide variant.
Coding change: c.418G>A on transcript NM_000101.4 (MANE Select); coding-DNA position 418, G replaced by A.
Protein change: p.Glu140Lys; replaces glutamic acid 140 with lysine.
Molecular consequence: missense variant.
Genome position (GRCh38, 1-based): chr16:88,643,523, C>T on the plus strand (G>A on the coding strand, the complement: CYBA is on the minus strand). VCF-style: chr16-88643523-C-T. GRCh37 (hg19) VCF-style: chr16-88709931-C-T.
Other names: short protein forms E140K.
Identifiers: ClinVar variation 966844 (VCV000966844.6), dbSNP rs759771041, ClinGen allele CA8228200.